The following is an entry in ClinVar:

ClinVar aggregate classification (germline): Uncertain significance (1 of 4 stars; one submission).

gnomAD v4.1: 16 of 1,536,448 alleles (0.001%); highest among the groups gnomAD compares: South Asian, 0.0036%; no homozygotes.

Submission:

Labcorp Genetics (formerly Invitae), Labcorp
Classification: Uncertain significance. Last evaluated: 2025-07-14. Review status: criteria provided, single submitter. Criteria: Invitae Variant Classification Sherloc (09022015). Collection method: clinical testing. Allele origin: germline.
Comment: This sequence change replaces alanine, which is neutral and non-polar, with threonine, which is neutral and polar, at codon 178 of the GCGR protein (p.Ala178Thr). This variant is present in population databases (no rsID available, gnomAD 0.006%). This variant has not been reported in the literature in individuals affected with GCGR-related conditions. An algorithm developed to predict the effect of missense changes on protein structure and function (PolyPhen-2) suggests that this variant is likely to be tolerated. In summary, the available evidence is currently insufficient to determine the role of this variant in disease. Therefore, it has been classified as a Variant of Uncertain Significance.

NM_000160.5(GCGR):c.532G>A (p.Ala178Thr)

Gene: GCGR (glucagon receptor; plus strand). Cytogenetic location: 17q25.3.
Variant type: single nucleotide variant.
Coding change: c.532G>A on transcript NM_000160.5 (MANE Select); coding-DNA position 532, G replaced by A.
Protein change: p.Ala178Thr; replaces alanine 178 with threonine.
Molecular consequence: missense variant.
Genome position (GRCh38, 1-based): chr17:81,811,435, G>A. VCF-style: chr17-81811435-G-A. GRCh37 (hg19) VCF-style: chr17-79769311-G-A.
Other names: short protein forms A178T.
Identifiers: ClinVar variation 4702211 (VCV004702211.1).